The following is an entry in ClinVar:

ClinVar aggregate classification (germline): Uncertain significance. Review status: criteria provided, multiple submitters, no conflicts (2 of 4 stars). 3 submissions from 3 submitters: Uncertain significance (3). Last evaluated 2025-02-08.

Conditions:
Inborn genetic diseases. Identifiers: MedGen C0950123, MeSH D030342.
Glycogen storage disease, type IV (GSD4). Also called: AMYLOPECTINOSIS; ANDERSEN DISEASE; BRANCHER DEFICIENCY; CIRRHOSIS, FAMILIAL, WITH DEPOSITION OF ABNORMAL GLYCOGEN; GBE1 DEFICIENCY; GLYCOGEN BRANCHING ENZYME DEFICIENCY. Identifiers: Orphanet 367, MedGen C0017923, MONDO:0009292, OMIM 232500.
Glycogen storage disease IV, classic hepatic. Also called: GSD IV, CLASSIC HEPATIC. Identifiers: MedGen C1856301.

Allele frequency attached by ClinVar (database versions not stated): gnomAD exomes 0.00006 and 0.00019; ESP Exome Variant Server 0.00009; ExAC 0.00010; gnomAD 0.00010; TOPMed 0.00010.

Submissions (3):

Ambry Genetics
Classification: Uncertain significance for Inborn genetic diseases. Last evaluated: 2025-02-08. Review status: criteria provided, single submitter. Criteria: Ambry Variant Classification Scheme 2023. Collection method: clinical testing. Allele origin: germline.

Mayo Clinic Laboratories, Mayo Clinic
Classification: Uncertain significance. Last evaluated: 2023-03-03. Review status: criteria provided, single submitter. Criteria: ACMG Guidelines, 2015. Collection method: clinical testing. Allele origin: germline. Observed: 2 variant alleles.
Comment: BP4, PM2

Labcorp Genetics (formerly Invitae), Labcorp
Classification: Uncertain significance for Glycogen storage disease, type IV; Glycogen storage disease IV, classic hepatic. Last evaluated: 2022-10-25. Review status: criteria provided, single submitter. Criteria: Invitae Variant Classification Sherloc (09022015). Collection method: clinical testing. Allele origin: germline.
Comment: This sequence change replaces arginine, which is basic and polar, with glutamine, which is neutral and polar, at codon 195 of the GBE1 protein (p.Arg195Gln). This variant is present in population databases (rs368555635, gnomAD 0.02%). This variant has not been reported in the literature in individuals affected with GBE1-related conditions. ClinVar contains an entry for this variant (Variation ID: 1162960). Advanced modeling of protein sequence and biophysical properties (such as structural, functional, and spatial information, amino acid conservation, physicochemical variation, residue mobility, and thermodynamic stability) performed at Invitae indicates that this missense variant is not expected to disrupt GBE1 protein function. In summary, the available evidence is currently insufficient to determine the role of this variant in disease. Therefore, it has been classified as a Variant of Uncertain Significance.

NM_000158.4(GBE1):c.584G>A (p.Arg195Gln)

Gene: GBE1 (1,4-alpha-glucan branching enzyme 1; minus strand). Cytogenetic location: 3p12.2.
Variant type: single nucleotide variant.
Coding change: c.584G>A on transcript NM_000158.4 (MANE Select); coding-DNA position 584, G replaced by A.
Protein change: p.Arg195Gln; replaces arginine 195 with glutamine.
Molecular consequence: missense variant.
Genome position (GRCh38, 1-based): chr3:81,648,963, C>T on the plus strand (G>A on the coding strand, the complement: GBE1 is on the minus strand). VCF-style: chr3-81648963-C-T. GRCh37 (hg19) VCF-style: chr3-81698114-C-T.
Other names: short protein forms R195Q.
Identifiers: ClinVar variation 1162960 (VCV001162960.9), dbSNP rs368555635, ClinGen allele CA2499910.
Genomic context (GRCh38, chr3:81,648,963, plus strand): 5'-GAAGCTACTTTTCCTTCATGGGAAGAAATTCCCACATGAGATTCATAAATTCTTAGACTC[C>T]GTGGCTTCTTTGGTCTGGAATGCTTAAACTACAGAATATAAAATTATGTATAGAGTTAAG-3'
Protein context (NP_000149.4, residues 185-205): EFKHSRPKKP[Arg195Gln]SLRIYESHVG